The following is an entry in ClinVar:

ClinVar aggregate classification (germline): Likely benign (1 of 4 stars; one submission).

Conditions:
Hereditary breast ovarian cancer syndrome. Also called: Hereditary breast and ovarian cancer; Hereditary breast and ovarian cancer syndrome (HBOC); Breast and ovarian cancer; Hereditary breast and/or ovarian cancer syndrome; BRCA1- and BRCA2-Associated Hereditary Breast and Ovarian Cancer; Hereditary breast and ovarian cancer syndrome. Identifiers: Orphanet 145, MedGen C0677776, MeSH D061325, MONDO:0003582. Disease mechanism: loss of function.

Submissions (2):

Labcorp Genetics (formerly Invitae), Labcorp
Classification: Likely benign for Hereditary breast ovarian cancer syndrome. Last evaluated: 2022-03-11. Review status: criteria provided, single submitter. Criteria: Invitae Variant Classification Sherloc (09022015). Collection method: clinical testing. Allele origin: germline.

Brotman Baty Institute, University of Washington
No classification provided (evidence only). Condition: Breast-ovarian cancer, familial 1. Review status: no classification provided. Collection method: in vitro. Allele origin: not applicable. Functional consequence: functionally_normal. Not counted in ClinVar's aggregate classification.
ClinVar note: "not provided" was previously submitted as the classification for the variant. However, the classification appeared to be based only on an observation of functional data so it was converted to no classification on 2025-07-30.

NM_007294.4(BRCA1):c.4986+7G>A

Gene: BRCA1 (BRCA1 DNA repair associated; minus strand). Cytogenetic location: 17q21.31.
Variant type: single nucleotide variant.
Coding change: c.4986+7G>A on transcript NM_007294.4 (MANE Select); 7 bases into the intron after coding-DNA position 4986, G replaced by A.
Molecular consequence: intron variant.
Genome position (GRCh38, 1-based): chr17:43,070,921, C>T on the plus strand (G>A on the coding strand, the complement: BRCA1 is on the minus strand). VCF-style: chr17-43070921-C-T. GRCh37 (hg19) VCF-style: chr17-41222938-C-T.
Other names: c.1533+7G>A (NM_001408458.1, NM_001408461.1, NM_001408464.1 and 7 more transcripts); c.4095+7G>A (NM_001407967.1); c.4605+7G>A (NM_001407959.1); c.4719+7G>A (NM_001407931.1, NM_001407932.1, NM_001407928.1 and 4 more transcripts); c.4842+7G>A (NM_001407747.1, NM_001407745.1, NM_001407737.1 and 21 more transcripts); c.4602+7G>A (NM_001407962.1, NM_001407960.1); c.1173+7G>A (NM_001408512.1); c.1296+7G>A (NM_001408510.1); and 71 more.
Identifiers: ClinVar variation 868892 (VCV000868892.8), dbSNP rs2052352092, ClinGen allele CA916080190.